The following is an entry in ClinVar:

NM_000338.3(SLC12A1):c.2787C>T (p.Ile929=)

Gene: SLC12A1 (solute carrier family 12 member 1; plus strand). Cytogenetic location: 15q21.1.
Variant type: single nucleotide variant.
Coding change: c.2787C>T on transcript NM_000338.3 (MANE Select); coding-DNA position 2787, C replaced by T.
Protein change: p.Ile929=; no amino-acid change (isoleucine 929 retained).
Molecular consequence: synonymous variant.
Genome position (GRCh38, 1-based): chr15:48,288,430, C>T. VCF-style: chr15-48288430-C-T. GRCh37 (hg19) VCF-style: chr15-48580627-C-T.
Other names: c.2787C>T, p.Ile929= (NM_001184832.2).
Identifiers: ClinVar variation 316275 (VCV000316275.15), dbSNP rs145464740, ClinGen allele CA7547524.

ClinVar aggregate classification (germline): Benign/Likely benign. Review status: criteria provided, multiple submitters, no conflicts (2 of 4 stars). 4 submissions from 4 submitters: Benign (3); Likely benign (1). Last evaluated 2026-01-28.

Conditions:
Bartter disease type 1. Also called: HYPERPROSTAGLANDIN E SYNDROME 1; HYPOKALEMIC ALKALOSIS WITH HYPERCALCIURIA 1, ANTENATAL; Bartter syndrome, type 1, antenatal; Bartter Syndrome type 1. Identifiers: Orphanet 112, Orphanet 620217, MedGen C1866495, MONDO:0100344, OMIM 601678, MONDO:0011127.

Allele frequency attached by ClinVar (database versions not stated): gnomAD 0.00111 and 0.00140; TOPMed 0.00150; ExAC 0.00255; gnomAD exomes 0.00333; 1000 Genomes Project 30x 0.00750; 1000 Genomes Project 0.00879.
gnomAD v4.1: 1,462 of 1,537,152 alleles (0.095%); highest among the groups gnomAD compares: East Asian, 3.1%; 35 homozygotes.

Submissions (4):

Labcorp Genetics (formerly Invitae), Labcorp
Classification: Benign. Last evaluated: 2026-01-28. Review status: criteria provided, single submitter. Criteria: Invitae Variant Classification Sherloc (09022015). Collection method: clinical testing. Allele origin: germline.

Women's Health and Genetics/Laboratory Corporation of America, LabCorp
Classification: Benign. Last evaluated: 2021-12-10. Review status: criteria provided, single submitter. Criteria: LabCorp Variant Classification Summary - May 2015. Collection method: clinical testing. Allele origin: germline.

Athena Diagnostics
Classification: Benign. Last evaluated: 2019-01-11. Review status: criteria provided, single submitter. Criteria: Athena Diagnostics Criteria. Collection method: clinical testing. Allele origin: germline.

Illumina Laboratory Services, Illumina
Classification: Likely benign for Bartter disease type 1. Last evaluated: 2017-04-27. Review status: criteria provided, single submitter. Criteria: ICSL Variant Classification Criteria 13 December 2019. Collection method: clinical testing. Allele origin: germline.
Comment: This variant was observed as part of a predisposition screen in an ostensibly healthy population. A literature search was performed for the gene, cDNA change, and amino acid change (where applicable). No publications were found based on this search. Allele frequency data from public databases allowed determination this variant is unlikely to cause disease. Therefore, this variant is classified as likely benign.

Literature cited by the submitters: PubMed 19602640 (cited by Athena Diagnostics).